The following is an entry in ClinVar:

ClinVar aggregate classification (germline): Uncertain significance. Review status: criteria provided, multiple submitters, no conflicts (2 of 4 stars). 2 submissions from 2 submitters: Uncertain significance (2). Last evaluated 2025-08-28.

Conditions:
Cardiovascular phenotype. Identifiers: MedGen CN230736.
Progressive familial heart block type IB (PFHB1B). Identifiers: Orphanet 871, MedGen C1970298, MONDO:0011474, OMIM 604559.

Allele frequency attached by ClinVar (database versions not stated): gnomAD 0.00001; gnomAD exomes 0.00001 and 0.00003; ExAC 0.00004.
gnomAD v4.1: 12 of 1,609,958 alleles (0.00075%); highest among the groups gnomAD compares: Admixed American, 0.01%; no homozygotes.

Submissions (2):

Ambry Genetics
Classification: Uncertain significance for Cardiovascular phenotype. Last evaluated: 2025-08-28. Review status: criteria provided, single submitter. Criteria: Ambry Variant Classification Scheme 2023. Collection method: clinical testing. Allele origin: germline.
Comment: The p.R139C variant (also known as c.415C>T), located in coding exon 4 of the TRPM4 gene, results from a C to T substitution at nucleotide position 415. The arginine at codon 139 is replaced by cysteine, an amino acid with highly dissimilar properties. This amino acid position is well conserved in available vertebrate species; however, cysteine is the reference amino acid in other vertebrate species. In addition, the in silico prediction for this alteration is inconclusive. Since supporting evidence is limited at this time, the clinical significance of this alteration remains unclear.

Labcorp Genetics (formerly Invitae), Labcorp
Classification: Uncertain significance for Progressive familial heart block type IB. Last evaluated: 2024-08-13. Review status: criteria provided, single submitter. Criteria: Invitae Variant Classification Sherloc (09022015). Collection method: clinical testing. Allele origin: germline.
Comment: This sequence change replaces arginine, which is basic and polar, with cysteine, which is neutral and slightly polar, at codon 139 of the TRPM4 protein (p.Arg139Cys). This variant is present in population databases (rs765443118, gnomAD 0.02%). This variant has not been reported in the literature in individuals affected with TRPM4-related conditions. ClinVar contains an entry for this variant (Variation ID: 940272). An algorithm developed to predict the effect of missense changes on protein structure and function (PolyPhen-2) suggests that this variant is likely to be disruptive. In summary, the available evidence is currently insufficient to determine the role of this variant in disease. Therefore, it has been classified as a Variant of Uncertain Significance.

NM_017636.4(TRPM4):c.415C>T (p.Arg139Cys)

Gene: TRPM4 (transient receptor potential cation channel subfamily M member 4; plus strand). Cytogenetic location: 19q13.33.
Variant type: single nucleotide variant.
Coding change: c.415C>T on transcript NM_017636.4 (MANE Select); coding-DNA position 415, C replaced by T.
Protein change: p.Arg139Cys; replaces arginine 139 with cysteine.
Molecular consequence: missense variant. On other transcripts: intron variant (4).
Genome position (GRCh38, 1-based): chr19:49,168,064, C>T. VCF-style: chr19-49168064-C-T. GRCh37 (hg19) VCF-style: chr19-49671321-C-T.
Other names: c.415C>T, p.Arg139Cys (NM_001195227.2); c.-1105-196C>T (NM_001321282.2); c.268-489C>T (NM_001321281.2); c.-74-196C>T (NM_001321283.2); c.-237-489C>T (NM_001321285.2); short protein forms R139C.
Identifiers: ClinVar variation 940272 (VCV000940272.12), dbSNP rs765443118, ClinGen allele CA9568808.
Genomic context (GRCh38, chr19:49,168,064, plus strand): 5'-GTGTCAGTGCTGGGGGGATCGGGGGGCCCCGTCCTCCAGACCTGGCTGCAGGACCTGCTG[C>T]GTCGTGGGCTGGTGCGGGCTGCCCAGAGCACAGGTGACCGAGGGTGGGTGGGGGCTGTCT-3'
Protein context (NP_060106.2, residues 129-149): VLQTWLQDLL[Arg139Cys]RGLVRAAQST